The following is an entry in ClinVar:

NM_000350.3(ABCA4):c.5316G>A (p.Trp1772Ter)

Gene: ABCA4 (ATP binding cassette subfamily A member 4; minus strand). Cytogenetic location: 1p22.1.
Variant type: single nucleotide variant.
Coding change: c.5316G>A on transcript NM_000350.3 (MANE Select); coding-DNA position 5316, G replaced by A.
Protein change: p.Trp1772Ter; replaces tryptophan 1772 with a stop codon.
Molecular consequence: nonsense.
Genome position (GRCh38, 1-based): chr1:94,014,687, C>T on the plus strand (G>A on the coding strand, the complement: ABCA4 is on the minus strand). VCF-style: chr1-94014687-C-T. GRCh37 (hg19) VCF-style: chr1-94480243-C-T.
Other names: c.5094G>A, p.Trp1698Ter (NM_001425324.1); short protein forms W1772*, W1698*.
Identifiers: ClinVar variation 99367 (VCV000099367.19), dbSNP rs61750571, ClinGen allele CA227298.
Genomic context (GRCh38, chr1:94,014,687, plus strand): 5'-ATAGGCTGTGCTGGGGACATCAAACAGGAAGGATGCTGGGTACATCATGGGAATGACCGC[C>T]CATCTGTGTGAAATGAGACAACTCAGAGTGATGGAGTTCCACATTCCATTCCACCTACAA-3'

ClinVar aggregate classification (germline): Pathogenic/Likely pathogenic. Review status: criteria provided, multiple submitters, no conflicts (2 of 4 stars). 8 submissions from 8 submitters: Pathogenic (5); Likely pathogenic (1). 2 of the submissions do not count toward it. Last evaluated 2025-10-21.

Conditions:
ABCA4-related disorder. Also called: ABCA4-related condition; ABCA4-related disorders. Identifiers: MedGen CN239167.
Retinitis pigmentosa (RP). Identifiers: Orphanet 791, MedGen C0035334, MeSH D012174, MONDO:0019200, OMIM 268000. Inheritance: Autosomal dominant, autosomal recessive and X linked inheritance.
Stargardt disease (FFM). Also called: Fundus flavimaculatus; Stargardt's disease. Identifiers: Orphanet 827, MedGen C0271093, MONDO:0019353.
Severe early-childhood-onset retinal dystrophy (STGD1). Also called: MACULAR DYSTROPHY WITH FLECKS, TYPE 1; STGD; Stargardt disease 1; Stargardt macular dystrophy; Juvenile onset macular degeneration. Identifiers: Orphanet 364055, Orphanet 827, MedGen C1855465, MeSH D000080362, MONDO:0009549, OMIM 248200.

Allele frequency attached by ClinVar (database versions not stated): ExAC 0.00001; gnomAD exomes below 0.00001; gnomAD 0.00001; TOPMed 0.00001.
gnomAD v4.1: 14 of 1,614,060 alleles (0.00087%); highest among the groups gnomAD compares: African/African-American, 0.0013%; no homozygotes.

Submissions (8):

Labcorp Genetics (formerly Invitae), Labcorp
Classification: Pathogenic. Last evaluated: 2025-10-21. Review status: criteria provided, single submitter. Criteria: Invitae Variant Classification Sherloc (09022015). Collection method: clinical testing. Allele origin: germline.
Comment: This sequence change creates a premature translational stop signal (p.Trp1772*) in the ABCA4 gene. It is expected to result in an absent or disrupted protein product. Loss-of-function variants in ABCA4 are known to be pathogenic (PMID: 10958761, 24938718, 25312043, 26780318). This variant is present in population databases (rs61750571, gnomAD 0.0009%). This premature translational stop signal has been observed in individual(s) with retinal disease (PMID: 11527935, 28041643, 30718709). ClinVar contains an entry for this variant (Variation ID: 99367). For these reasons, this variant has been classified as Pathogenic.

Blueprint Genetics
Classification: Pathogenic for ABCA4-related disorders. Last evaluated: 2024-11-19. Review status: criteria provided, single submitter. Criteria: ACMG Guidelines, 2015. Collection method: clinical testing. Allele origin: germline. Affected: yes. Observed: 5 variant alleles.

GeneDx
Classification: Pathogenic. Last evaluated: 2024-03-16. Review status: criteria provided, single submitter. Criteria: GeneDx Variant Classification Process June 2021. Collection method: clinical testing. Allele origin: germline. Affected: yes.
Comment: Nonsense variant predicted to result in protein truncation or nonsense mediated decay in a gene for which loss of function is a known mechanism of disease; Not observed at significant frequency in large population cohorts (gnomAD); This variant is associated with the following publications: (PMID: 11527935, 25525159, 28041643, 31964843, 36819107, 35120629, 30718709)

PreventionGenetics, part of Exact Sciences
Classification: Pathogenic for ABCA4-related condition. Last evaluated: 2022-09-12. Review status: criteria provided, single submitter. Criteria: ACMG Guidelines, 2015. Collection method: clinical testing. Allele origin: germline.
Comment: The ABCA4 c.5316G>A variant is predicted to result in premature protein termination (p.Trp1772*). This variant has been reported in individuals with Stargardt disease (Table 1 in Briggs et al. 2001. PubMed ID: 11527935; Table S2 in Carss et al. 2017. PubMed ID: 28041643; Table S4 in Jespersgaard et al. 2019. PubMed ID: 30718709). This variant is reported in 0.00088% of alleles in individuals of European (Non-Finnish) descent in gnomAD. Nonsense variants in ABCA4 are expected to be pathogenic, and this variant has been classified as pathogenic by multiple independent submitters to the ClinVar database. Given the evidence, we interpret c.5316G>A (p.Trp1772*) as pathogenic.

Broad Center for Mendelian Genomics, Broad Institute of MIT and Harvard
Classification: Pathogenic for Retinitis pigmentosa. Last evaluated: 2021-04-01. Review status: criteria provided, single submitter. Criteria: ACMG Guidelines, 2015. Collection method: curation. Allele origin: germline. Inheritance: Autosomal recessive inheritance. Affected: yes.
Comment: Through a review of available evidence we were able to apply the following criteria: PVS1, PM2, PM3-P. Based on this evidence we have classified this variant as Pathogenic. If you have any questions about the classification please reach out to the Pierce Lab.

Institute of Medical Molecular Genetics, University of Zurich
Classification: Likely pathogenic for Severe early-childhood-onset retinal dystrophy. Last evaluated: 2021-01-30. Review status: criteria provided, single submitter. Criteria: ACMG Guidelines, 2015. Collection method: clinical testing. Allele origin: germline. Affected: yes.

Department of Clinical Genetics, Copenhagen University Hospital, Rigshospitalet
Classification: Pathogenic for Stargardt disease. Last evaluated: 2018-04-01. Review status: no assertion criteria provided. Collection method: research. Allele origin: unknown. Affected: yes. Study: VeluxRD. Not counted in ClinVar's aggregate classification.

Retina International
No classification provided. Review status: no classification provided. Collection method: not provided. Allele origin: not provided. Not counted in ClinVar's aggregate classification.

Literature cited by the submitters: PubMed 10958761 (cited by Labcorp Genetics (formerly Invitae), Labcorp); PubMed 24938718 (cited by Labcorp Genetics (formerly Invitae), Labcorp); PubMed 25312043 (cited by Labcorp Genetics (formerly Invitae), Labcorp); PubMed 26780318 (cited by Labcorp Genetics (formerly Invitae), Labcorp); PubMed 11527935 (cited by Labcorp Genetics (formerly Invitae), Labcorp and Broad Center for Mendelian Genomics, Broad Institute of MIT and Harvard); PubMed 28041643 (cited by Labcorp Genetics (formerly Invitae), Labcorp and Broad Center for Mendelian Genomics, Broad Institute of MIT and Harvard); PubMed 30718709 (cited by 3 submitters); PubMed 34906470 (cited by Broad Center for Mendelian Genomics, Broad Institute of MIT and Harvard).